The following is an entry in ClinVar:

NM_001382273.1(TNK2):c.1928C>T (p.Pro643Leu)

Gene: TNK2 (tyrosine kinase non receptor 2; minus strand). Cytogenetic location: 3q29.
Variant type: single nucleotide variant.
Coding change: c.1928C>T on transcript NM_001382273.1 (MANE Select); coding-DNA position 1928, C replaced by T.
Protein change: p.Pro643Leu; replaces proline 643 with leucine.
Molecular consequence: missense variant. On other transcripts: non-coding transcript variant (15).
Genome position (GRCh38, 1-based): chr3:195,868,370, G>A on the plus strand (C>T on the coding strand, the complement: TNK2 is on the minus strand). VCF-style: chr3-195868370-G-A. GRCh37 (hg19) VCF-style: chr3-195595241-G-A.
Other names: c.2000C>T, p.Pro667Leu (NM_001010938.2, NM_001382272.1); c.1979C>T, p.Pro660Leu (NM_001308046.2, NM_001382271.1); c.1928C>T, p.Pro643Leu (NM_001382274.1, NM_001387716.1, NM_001387717.1 and 1 more transcripts); c.2024C>T, p.Pro675Leu (NM_001382275.1, NM_001387707.1); c.1883C>T, p.Pro628Leu (NM_001386164.1, NM_001387709.1, NM_001387710.1 and 8 more transcripts); c.1955C>T, p.Pro652Leu (NM_001387708.1, NM_001387715.1); short protein forms P643L, P660L, P667L, P652L, P675L, P628L.
Identifiers: ClinVar variation 2907316 (VCV002907316.3), dbSNP rs774965640, ClinGen allele CA2776147.

ClinVar aggregate classification (germline): Uncertain significance (1 of 4 stars; one submission).

Allele frequency attached by ClinVar (database versions not stated): gnomAD exomes 0.00002; ExAC 0.00005.
gnomAD v4.1: 27 of 1,595,488 alleles (0.0017%); highest among the groups gnomAD compares: East Asian, 0.0089%; no homozygotes.

Submission:

Labcorp Genetics (formerly Invitae), Labcorp
Classification: Uncertain significance. Last evaluated: 2023-10-04. Review status: criteria provided, single submitter. Criteria: Invitae Variant Classification Sherloc (09022015). Collection method: clinical testing. Allele origin: germline.
Comment: This sequence change replaces proline, which is neutral and non-polar, with leucine, which is neutral and non-polar, at codon 706 of the TNK2 protein (p.Pro706Leu). This variant is present in population databases (rs774965640, gnomAD 0.007%). This variant has not been reported in the literature in individuals affected with TNK2-related conditions. An algorithm developed to predict the effect of missense changes on protein structure and function (PolyPhen-2) suggests that this variant is likely to be disruptive. In summary, the available evidence is currently insufficient to determine the role of this variant in disease. Therefore, it has been classified as a Variant of Uncertain Significance.